The following is an entry in ClinVar:

ClinVar aggregate classification (germline): Likely pathogenic (1 of 4 stars; one submission).

Conditions:
X-linked immunodeficiency with magnesium defect, Epstein-Barr virus infection and neoplasia. Identifiers: Orphanet 317476, MedGen C3275445, MONDO:0010455, OMIM 300853.

Submission:

Labcorp Genetics (formerly Invitae), Labcorp
Classification: Likely pathogenic for X-linked immunodeficiency with magnesium defect, Epstein-Barr virus infection and neoplasia. Last evaluated: 2024-01-21. Review status: criteria provided, single submitter. Criteria: Invitae Variant Classification Sherloc (09022015). Collection method: clinical testing. Allele origin: unknown.
Comment: This variant results in a copy number gain of the genomic region encompassing exon(s) 2-9 of the MAGT1 gene. While the exact position of this variant cannot be determined from the data, sub-genic copy number gains are generally in tandem (PMID: 25640679). This variant is predicted to be out-of-frame, and may result in an absent or disrupted protein product. Loss-of-function variants in MAGT1 are known to be pathogenic (PMID: 24550228). This variant has not been reported in the literature in individuals affected with MAGT1-related conditions. In summary, the currently available evidence indicates that the variant is pathogenic, but additional data are needed to prove that conclusively. Therefore, this variant has been classified as Likely Pathogenic.

Literature cited by the submitters: PubMed 25640679; PubMed 24550228.

NC_000023.10:g.(?_77086282)_(77131114_?)dup

Gene: MAGT1 (magnesium transporter 1; minus strand). Cytogenetic location: Xq21.1.
Variant type: Duplication.
Identifiers: ClinVar variation 3245427 (VCV003245427.1).